The following is an entry in ClinVar:

ClinVar aggregate classification (germline): Uncertain significance. Review status: criteria provided, multiple submitters, no conflicts (2 of 4 stars). 2 submissions from 2 submitters: Uncertain significance (2). Last evaluated 2025-10-18.

Conditions:
Inborn genetic diseases. Identifiers: MedGen C0950123, MeSH D030342.
Muscular dystrophy-dystroglycanopathy (congenital with brain and eye anomalies), type a, 11 (MDDGA11). Also called: Muscular dystrophy-dystroglycanopathy (congenital with brain and eye anomalies, type A, 11; Congenital muscular dystrophy-dystroglycanopathy with brain and eye anomalies, type A11; WALKER-WARBURG SYNDROME OR MUSCLE-EYE-BRAIN DISEASE, B3GALNT2-RELATED. Identifiers: Orphanet 588, Orphanet 899, MedGen C3554638, MONDO:0014071, OMIM 615181.

Allele frequency attached by ClinVar (database versions not stated): gnomAD 0.00001; gnomAD exomes below 0.00001.
gnomAD v4.1: 3 of 1,614,004 alleles (0.00019%); highest among the groups gnomAD compares: East Asian, 0.0022%; no homozygotes.

Submissions (2):

Ambry Genetics
Classification: Uncertain significance for Inborn genetic diseases. Last evaluated: 2025-10-18. Review status: criteria provided, single submitter. Criteria: Ambry Variant Classification Scheme 2023. Collection method: clinical testing. Allele origin: germline.

Labcorp Genetics (formerly Invitae), Labcorp
Classification: Uncertain significance for Muscular dystrophy-dystroglycanopathy (congenital with brain and eye anomalies), type a, 11. Last evaluated: 2022-07-19. Review status: criteria provided, single submitter. Criteria: Invitae Variant Classification Sherloc (09022015). Collection method: clinical testing. Allele origin: germline.
Comment: This sequence change replaces valine, which is neutral and non-polar, with leucine, which is neutral and non-polar, at codon 234 of the B3GALNT2 protein (p.Val234Leu). This variant is present in population databases (rs778248252, gnomAD 0.005%). This variant has not been reported in the literature in individuals affected with B3GALNT2-related conditions. ClinVar contains an entry for this variant (Variation ID: 1425104). Algorithms developed to predict the effect of missense changes on protein structure and function output the following: SIFT: "Tolerated"; PolyPhen-2: "Benign"; Align-GVGD: "Class C0". The leucine amino acid residue is found in multiple mammalian species, which suggests that this missense change does not adversely affect protein function. In summary, the available evidence is currently insufficient to determine the role of this variant in disease. Therefore, it has been classified as a Variant of Uncertain Significance.

NM_152490.5(B3GALNT2):c.700G>T (p.Val234Leu)

Gene: B3GALNT2 (beta-1,3-N-acetylgalactosaminyltransferase 2; minus strand). Cytogenetic location: 1q42.3.
Variant type: single nucleotide variant.
Coding change: c.700G>T on transcript NM_152490.5 (MANE Select); coding-DNA position 700, G replaced by T.
Protein change: p.Val234Leu; replaces valine 234 with leucine.
Molecular consequence: missense variant.
Genome position (GRCh38, 1-based): chr1:235,470,912, C>A on the plus strand (G>T on the coding strand, the complement: B3GALNT2 is on the minus strand). VCF-style: chr1-235470912-C-A. GRCh37 (hg19) VCF-style: chr1-235634226-C-A.
Other names: c.823G>T, p.Val275Leu (NM_001277155.3); c.700G>T (NM_152490.2); short protein forms V234L, V275L.
Identifiers: ClinVar variation 1425104 (VCV001425104.6), dbSNP rs778248252, ClinGen allele CA1464822.